The following is an entry in ClinVar:

NM_000127.3(EXT1):c.79C>T (p.Gln27Ter)

Gene: EXT1 (exostosin glycosyltransferase 1; minus strand). Cytogenetic location: 8q24.11.
Variant type: single nucleotide variant.
Coding change: c.79C>T on transcript NM_000127.3 (MANE Select); coding-DNA position 79, C replaced by T.
Protein change: p.Gln27Ter; replaces glutamine 27 with a stop codon.
Molecular consequence: nonsense.
Genome position (GRCh38, 1-based): chr8:118,110,968, G>A on the plus strand (C>T on the coding strand, the complement: EXT1 is on the minus strand). VCF-style: chr8-118110968-G-A. GRCh37 (hg19) VCF-style: chr8-119123207-G-A.
Other names: short protein forms Q27*.
Identifiers: ClinVar variation 947779 (VCV000947779.9), dbSNP rs1817892723, ClinGen allele CA371916645.
Genomic context (GRCh38, chr8:118,110,968, plus strand): 5'-GCAAGCCATTCCTACCGCTGTGTTCTTCTCTCCGGCTGTGGCTCCTCGATGCCCTAAACT[G>A]CAAGCCTCCGAAATAAAACAAAAGGGCGAGACAAGAGCCAGCTGAGAGCAGGATGAAATA-3'

ClinVar aggregate classification (germline): Pathogenic (1 of 4 stars; one submission).

Conditions:
Multiple congenital exostosis (EXT). Also called: Hereditary multiple osteochondromas; Multiple osteochondromas; Multiple exostoses; MULTIPLE CARTILAGINOUS EXOSTOSES; Hereditary multiple exostoses; Hereditary multiple exostosis. Identifiers: Orphanet 321, MedGen C0015306, MONDO:0005508, HP:0002762.

Submission:

Labcorp Genetics (formerly Invitae), Labcorp
Classification: Pathogenic for Multiple congenital exostosis. Last evaluated: 2019-05-21. Review status: criteria provided, single submitter. Criteria: Invitae Variant Classification Sherloc (09022015). Collection method: clinical testing. Allele origin: germline.
Comment: This sequence change creates a premature translational stop signal (p.Gln27*) in the EXT1 gene. It is expected to result in an absent or disrupted protein product. This variant is not present in population databases (ExAC no frequency). For these reasons, this variant has been classified as Pathogenic. Loss-of-function variants in EXT1 are known to be pathogenic (PMID: 10679937, 11391482, 19810120). This variant has been observed in several individuals affected with multiple osteochondromas (PMID: 24120389, 26961984, Invitae).

Literature cited by the submitters: PubMed 10679937; PubMed 11391482; PubMed 19810120; PubMed 24120389; PubMed 26961984.